The following is an entry in ClinVar:

NM_020832.3(ZNF687):c.2150G>A (p.Arg717His)

Gene: ZNF687 (zinc finger protein 687; plus strand). Cytogenetic location: 1q21.3.
Variant type: single nucleotide variant.
Coding change: c.2150G>A on transcript NM_020832.3 (MANE Select); coding-DNA position 2150, G replaced by A.
Protein change: p.Arg717His; replaces arginine 717 with histidine.
Molecular consequence: missense variant.
Genome position (GRCh38, 1-based): chr1:151,288,562, G>A. VCF-style: chr1-151288562-G-A. GRCh37 (hg19) VCF-style: chr1-151261038-G-A.
Other names: c.2150G>A, p.Arg717His (NM_001304763.2, NM_001304764.2); c.2150G>A (NM_020832.1); short protein forms R717H.
Identifiers: ClinVar variation 2884987 (VCV002884987.4), dbSNP rs201169436, ClinGen allele CA1088484.

ClinVar aggregate classification (germline): Uncertain significance. Review status: criteria provided, multiple submitters, no conflicts (2 of 4 stars). 2 submissions from 2 submitters: Uncertain significance (2). Last evaluated 2025-10-07.

Allele frequency attached by ClinVar (database versions not stated): ExAC 0.00001; gnomAD exomes 0.00001; TOPMed 0.00003; gnomAD 0.00004.

Submissions (2):

Labcorp Genetics (formerly Invitae), Labcorp
Classification: Uncertain significance. Last evaluated: 2025-10-07. Review status: criteria provided, single submitter. Criteria: Invitae Variant Classification Sherloc (09022015). Collection method: clinical testing. Allele origin: germline.
Comment: This sequence change replaces arginine, which is basic and polar, with histidine, which is basic and polar, at codon 717 of the ZNF687 protein (p.Arg717His). This variant is present in population databases (rs201169436, gnomAD 0.004%). This variant has not been reported in the literature in individuals affected with ZNF687-related conditions. ClinVar contains an entry for this variant (Variation ID: 2884987). An algorithm developed to predict the effect of missense changes on protein structure and function (PolyPhen-2) suggests that this variant is likely to be tolerated. In summary, the available evidence is currently insufficient to determine the role of this variant in disease. Therefore, it has been classified as a Variant of Uncertain Significance.

Ambry Genetics
Classification: Uncertain significance. Last evaluated: 2023-10-10. Review status: criteria provided, single submitter. Criteria: Ambry Variant Classification Scheme 2023. Collection method: clinical testing. Allele origin: germline.